The following is an entry in ClinVar:

ClinVar aggregate classification (germline): Uncertain significance. Review status: criteria provided, multiple submitters, no conflicts (2 of 4 stars). 2 submissions from 2 submitters: Uncertain significance (2). Last evaluated 2025-01-22.

Allele frequency attached by ClinVar (database versions not stated): gnomAD 0.00001; gnomAD exomes 0.00001 and 0.00005; TOPMed 0.00001; ExAC 0.00003.
gnomAD v4.1: 17 of 1,610,414 alleles (0.0011%); highest among the groups gnomAD compares: East Asian, 0.034%; no homozygotes.

Submissions (2):

Labcorp Genetics (formerly Invitae), Labcorp
Classification: Uncertain significance. Last evaluated: 2025-01-22. Review status: criteria provided, single submitter. Criteria: Invitae Variant Classification Sherloc (09022015). Collection method: clinical testing. Allele origin: germline.
Comment: This sequence change replaces threonine, which is neutral and polar, with asparagine, which is neutral and polar, at codon 481 of the RINT1 protein (p.Thr481Asn). This variant is present in population databases (rs749178953, gnomAD 0.08%). This variant has not been reported in the literature in individuals affected with RINT1-related conditions. ClinVar contains an entry for this variant (Variation ID: 1059415). An algorithm developed to predict the effect of missense changes on protein structure and function (PolyPhen-2) suggests that this variant¬†is likely to be tolerated. In summary, the available evidence is currently insufficient to determine the role of this variant in disease. Therefore, it has been classified as a Variant of Uncertain Significance.

Ambry Genetics
Classification: Uncertain significance. Last evaluated: 2024-10-09. Review status: criteria provided, single submitter. Criteria: Ambry Variant Classification Scheme 2023. Collection method: clinical testing. Allele origin: germline.

NM_021930.6(RINT1):c.1442C>A (p.Thr481Asn)

Gene: RINT1 (RAD50 interactor 1; plus strand). Cytogenetic location: 7q22.3.
Variant type: single nucleotide variant.
Coding change: c.1442C>A on transcript NM_021930.6 (MANE Select); coding-DNA position 1442, C replaced by A.
Protein change: p.Thr481Asn; replaces threonine 481 with asparagine.
Molecular consequence: missense variant. On other transcripts: non-coding transcript variant (1).
Genome position (GRCh38, 1-based): chr7:105,551,678, C>A. VCF-style: chr7-105551678-C-A. GRCh37 (hg19) VCF-style: chr7-105192125-C-A.
Other names: c.1208C>A, p.Thr403Asn (NM_001346599.2); c.419C>A, p.Thr140Asn (NM_001346600.2, NM_001346603.2); c.518C>A, p.Thr173Asn (NM_001346601.2); short protein forms T140N, T173N, T403N, T481N.
Identifiers: ClinVar variation 1059415 (VCV001059415.9), dbSNP rs749178953, ClinGen allele CA4426679.
Genomic context (GRCh38, chr7:105,551,678, plus strand): 5'-TATCGCAATATAAGGATATCACTGACGTGGATGAAATGAAAGTTCCAGATTGTGCAGAAA[C>A]TTTTATGACTCTACTCTTGGTTATAACTGGTAAGTATGTCTTTTAAGATATGACTTTGTT-3'
Protein context (NP_068749.3, residues 471-491): DEMKVPDCAE[Thr481Asn]FMTLLLVITD